The following is an entry in ClinVar:

NM_020297.4(ABCC9):c.620A>C (p.Asp207Ala)

Gene: ABCC9 (ATP binding cassette subfamily C member 9; minus strand). Cytogenetic location: 12p12.1.
Variant type: single nucleotide variant.
Coding change: c.620A>C on transcript NM_020297.4 (MANE Select); coding-DNA position 620, A replaced by C.
Protein change: p.Asp207Ala; replaces aspartic acid 207 with alanine.
Molecular consequence: missense variant. On other transcripts: intron variant (1).
Genome position (GRCh38, 1-based): chr12:21,915,864, T>G on the plus strand (A>C on the coding strand, the complement: ABCC9 is on the minus strand). VCF-style: chr12-21915864-T-G. GRCh37 (hg19) VCF-style: chr12-22068798-T-G.
Other names: c.620A>C, p.Asp207Ala (NM_001377273.1, NM_005691.4); c.-48-2798A>C (NM_001377274.1); short protein forms D207A.
Identifiers: ClinVar variation 1404740 (VCV001404740.8), dbSNP rs182537028, ClinGen allele CA384124763.
Genomic context (GRCh38, chr12:21,915,864, plus strand): 5'-GTTGCTTTTGACAGCAAATTCACAAATGGTTGAAGAAATCTCACTCCCAGATCCTGGAGG[T>G]CTTCAGGAGGCTTTACTTTCTGAGGATTCATGAAAAATACATATCTCTGTGGCAAGAAAA-3'
Protein context (NP_064693.2, residues 197-217): MNPQKVKPPE[Asp207Ala]LQDLGVRFLQ

ClinVar aggregate classification (germline): Likely pathogenic (1 of 4 stars; one submission).

Conditions:
Dilated cardiomyopathy 1O (CMD1O). Also called: CARDIOMYOPATHY, DILATED, WITH VENTRICULAR TACHYCARDIA. Identifiers: Orphanet 154, MedGen C1837839, MONDO:0012062, OMIM 608569.

Submission:

Labcorp Genetics (formerly Invitae), Labcorp
Classification: Likely pathogenic for Dilated cardiomyopathy 1O. Last evaluated: 2023-03-10. Review status: criteria provided, single submitter. Criteria: Invitae Variant Classification Sherloc (09022015). Collection method: clinical testing. Allele origin: germline.
Comment: This variant has not been reported in the literature in individuals affected with ABCC9-related conditions. In summary, the currently available evidence indicates that the variant is pathogenic, but additional data are needed to prove that conclusively. Therefore, this variant has been classified as Likely Pathogenic. This variant disrupts the p.Asp207 amino acid residue in ABCC9. Other variant(s) that disrupt this residue have been determined to be pathogenic (PMID: 22610116, 29275331, 31828977). This suggests that this residue is clinically significant, and that variants that disrupt this residue are likely to be disease-causing. Advanced modeling of protein sequence and biophysical properties (such as structural, functional, and spatial information, amino acid conservation, physicochemical variation, residue mobility, and thermodynamic stability) performed at Invitae indicates that this missense variant is expected to disrupt ABCC9 protein function. ClinVar contains an entry for this variant (Variation ID: 1404740). This variant is not present in population databases (gnomAD no frequency). This sequence change replaces aspartic acid, which is acidic and polar, with alanine, which is neutral and non-polar, at codon 207 of the ABCC9 protein (p.Asp207Ala).

Literature cited by the submitters: PubMed 22610116; PubMed 29275331; PubMed 31828977.